The following is an entry in ClinVar:

NM_004260.4(RECQL4):c.2136C>G (p.Asp712Glu)

Gene: RECQL4 (RecQ like helicase 4; minus strand). Cytogenetic location: 8q24.3.
Variant type: single nucleotide variant.
Coding change: c.2136C>G on transcript NM_004260.4 (MANE Select); coding-DNA position 2136, C replaced by G.
Protein change: p.Asp712Glu; replaces aspartic acid 712 with glutamic acid.
Molecular consequence: missense variant.
Genome position (GRCh38, 1-based): chr8:144,513,635, G>C on the plus strand (C>G on the coding strand, the complement: RECQL4 is on the minus strand). VCF-style: chr8-144513635-G-C. GRCh37 (hg19) VCF-style: chr8-145739019-G-C.
Other names: short protein forms D712E.
Identifiers: ClinVar variation 651011 (VCV000651011.2), dbSNP rs377493345, ClinGen allele CA372679787.
Genomic context (GRCh38, chr8:144,513,635, plus strand): 5'-AGACCCTGGGACCCAGGCTGCGTGCAGGCAGGTTCGGAGGAGCGCAGCGATCCGCTCTGT[G>C]TCCTCGCGCCGGTTGCAGTAAATGATAATGGAATCGAGGTTTTGAAAACGTTTGCCTTGC-3'
Protein context (NP_004251.4, residues 702-722): SIIIYCNRRE[Asp712Glu]TERIAALLRT

ClinVar aggregate classification (germline): Uncertain significance. Review status: criteria provided, multiple submitters, no conflicts (2 of 4 stars). 2 submissions from 2 submitters: Uncertain significance (2). Last evaluated 2025-02-24.

Conditions:
Inborn genetic diseases. Identifiers: MedGen C0950123, MeSH D030342.
Baller-Gerold syndrome (BGS). Also called: CRANIOSYNOSTOSIS WITH RADIAL DEFECTS. Identifiers: Orphanet 1225, MedGen C0265308, MONDO:0009039, OMIM 218600.

Submissions (2):

Ambry Genetics
Classification: Uncertain significance for Inborn genetic diseases. Last evaluated: 2025-02-24. Review status: criteria provided, single submitter. Criteria: Ambry Variant Classification Scheme 2023. Collection method: clinical testing. Allele origin: germline.
Comment: The p.D712E variant (also known as c.2136C>G), located in coding exon 13 of the RECQL4 gene, results from a C to G substitution at nucleotide position 2136. The aspartic acid at codon 712 is replaced by glutamic acid, an amino acid with highly similar properties. This amino acid position is conserved. In addition, this alteration is predicted to be tolerated by in silico analysis. Based on the available evidence, the clinical significance of this variant remains unclear.

Labcorp Genetics (formerly Invitae), Labcorp
Classification: Uncertain significance for Baller-Gerold syndrome. Last evaluated: 2018-11-22. Review status: criteria provided, single submitter. Criteria: Invitae Variant Classification Sherloc (09022015). Collection method: clinical testing. Allele origin: germline.
Comment: This sequence change replaces aspartic acidÂ¬â€ with glutamic acid at codon 712 of the RECQL4 protein (p.Asp712Glu). TheÂ¬â€ aspartic acidÂ¬â€ residue is weakly conserved and there is a small physicochemical difference betweenÂ¬â€ aspartic acidÂ¬â€ andÂ¬â€ Â¬â€ glutamic acid. This variant is not present in population databases (ExAC no frequency). This variant has not been reported in the literature in individuals with RECQL4-related disease. Algorithms developed to predict the effect of missense changes on protein structure and function are either unavailable or do not agree on the potential impact of this missense change (SIFT: "Tolerated"; PolyPhen-2: "not available"; Align-GVGD: "Class C0"). In summary, the available evidence is currently insufficient to determine the role of this variant in disease. Therefore, it has been classified as a Variant of Uncertain Significance.